The following is an entry in ClinVar:

NM_020247.5(COQ8A):c.757C>G (p.Pro253Ala)

Gene: COQ8A (coenzyme Q8A; plus strand). Cytogenetic location: 1q42.13.
Variant type: single nucleotide variant.
Coding change: c.757C>G on transcript NM_020247.5 (MANE Select); coding-DNA position 757, C replaced by G.
Protein change: p.Pro253Ala; replaces proline 253 with alanine.
Molecular consequence: missense variant.
Genome position (GRCh38, 1-based): chr1:226,982,053, C>G. VCF-style: chr1-226982053-C-G. GRCh37 (hg19) VCF-style: chr1-227169754-C-G.
Other names: short protein forms P253A.
Identifiers: ClinVar variation 4682265 (VCV004682265.1).

ClinVar aggregate classification (germline): Uncertain significance (1 of 4 stars; one submission).

gnomAD v4.1: 6 of 1,612,816 alleles (0.00037%); highest among the groups gnomAD compares: Non-Finnish European, 0.00051%; no homozygotes.

Submission:

Athena Diagnostics
Classification: Uncertain significance. Last evaluated: 2025-04-11. Review status: criteria provided, single submitter. Criteria: Athena Diagnostics Criteria. Collection method: clinical testing. Allele origin: unknown.
Comment: Available data are insufficient to determine the clinical significance of the variant at this time. The frequency of this variant in the general population is uninformative in assessment of its pathogenicity. Polyphen and MutationTaster predict this amino acid change may be benign.